The following is an entry in ClinVar:

ClinVar aggregate classification (germline): Uncertain significance. Review status: criteria provided, multiple submitters, no conflicts (2 of 4 stars). 2 submissions from 2 submitters: Uncertain significance (2). Last evaluated 2024-11-11.

Allele frequency attached by ClinVar (database versions not stated): TOPMed 0.00001.
gnomAD v4.1: 1 of 1,608,964 alleles (0.000062%); highest among the groups gnomAD compares: Non-Finnish European, 0.000085%; no homozygotes.

Submissions (2):

Labcorp Genetics (formerly Invitae), Labcorp
Classification: Uncertain significance. Last evaluated: 2024-11-11. Review status: criteria provided, single submitter. Criteria: Invitae Variant Classification Sherloc (09022015). Collection method: clinical testing. Allele origin: germline.
Comment: This sequence change replaces leucine, which is neutral and non-polar, with valine, which is neutral and non-polar, at codon 2916 of the ADGRV1 protein (p.Leu2916Val). This variant is not present in population databases (gnomAD no frequency). This variant has not been reported in the literature in individuals affected with ADGRV1-related conditions. ClinVar contains an entry for this variant (Variation ID: 953773). Invitae Evidence Modeling of protein sequence and biophysical properties (such as structural, functional, and spatial information, amino acid conservation, physicochemical variation, residue mobility, and thermodynamic stability) indicates that this missense variant is not expected to disrupt ADGRV1 protein function with a negative predictive value of 95%. In summary, the available evidence is currently insufficient to determine the role of this variant in disease. Therefore, it has been classified as a Variant of Uncertain Significance.

Blueprint Genetics
Classification: Uncertain significance. Last evaluated: 2022-03-15. Review status: criteria provided, single submitter. Criteria: ACMG Guidelines, 2015. Collection method: clinical testing. Allele origin: germline.

NM_032119.4(ADGRV1):c.8746C>G (p.Leu2916Val)

Gene: ADGRV1 (adhesion G protein-coupled receptor V1; plus strand). Cytogenetic location: 5q14.3.
Variant type: single nucleotide variant.
Coding change: c.8746C>G on transcript NM_032119.4 (MANE Select); coding-DNA position 8746, C replaced by G.
Protein change: p.Leu2916Val; replaces leucine 2916 with valine.
Molecular consequence: missense variant. On other transcripts: non-coding transcript variant (1).
Genome position (GRCh38, 1-based): chr5:90,708,831, C>G. VCF-style: chr5-90708831-C-G. GRCh37 (hg19) VCF-style: chr5-90004648-C-G.
Other names: short protein forms L2916V.
Identifiers: ClinVar variation 953773 (VCV000953773.10), dbSNP rs372007534, ClinGen allele CA360393372.